The following is an entry in ClinVar:

NM_018671.5(UNC45A):c.1063C>T (p.Gln355Ter)

Gene: UNC45A (unc-45 myosin chaperone A; plus strand). Cytogenetic location: 15q26.1.
Variant type: single nucleotide variant.
Coding change: c.1063C>T on transcript NM_018671.5 (MANE Select); coding-DNA position 1063, C replaced by T.
Protein change: p.Gln355Ter; replaces glutamine 355 with a stop codon.
Molecular consequence: nonsense.
Genome position (GRCh38, 1-based): chr15:90,944,927, C>T. VCF-style: chr15-90944927-C-T. GRCh37 (hg19) VCF-style: chr15-91488157-C-T.
Other names: c.1018C>T, p.Gln340Ter (NM_001039675.2, NM_001323621.2); c.1063C>T, p.Gln355Ter (NM_001323619.1); c.628C>T, p.Gln210Ter (NM_001323620.2); short protein forms Q210*, Q340*, Q355*.
Identifiers: ClinVar variation 2800768 (VCV002800768.3), dbSNP rs2543148376, ClinGen allele CA393854708.

ClinVar aggregate classification (germline): Uncertain significance (1 of 4 stars; one submission).

Submission:

Labcorp Genetics (formerly Invitae), Labcorp
Classification: Uncertain significance. Last evaluated: 2022-12-16. Review status: criteria provided, single submitter. Criteria: Invitae Variant Classification Sherloc (09022015). Collection method: clinical testing. Allele origin: germline.
Comment: This variant is not present in population databases (gnomAD no frequency). In summary, the available evidence is currently insufficient to determine the role of this variant in disease. Therefore, it has been classified as a Variant of Uncertain Significance. Algorithms developed to predict the effect of sequence changes on RNA splicing suggest that this variant may create or strengthen a splice site. This variant has not been reported in the literature in individuals affected with UNC45A-related conditions. This sequence change creates a premature translational stop signal (p.Gln355*) in the UNC45A gene. It is expected to result in an absent or disrupted protein product. However, the current clinical and genetic evidence is not sufficient to establish whether loss-of-function variants in UNC45A cause disease.